The following is an entry in ClinVar:

NM_001291415.2(KDM6A):c.28_42dup (p.Thr10_Ala14dup)

Gene: KDM6A (lysine demethylase 6A; plus strand). Cytogenetic location: Xp11.3.
Variant type: Duplication.
Coding change: c.28_42dup on transcript NM_001291415.2 (MANE Select); coding-DNA positions 28 to 42, 15 bases duplicated (ACCGCCGCCGCTGCC).
Protein change: p.Thr10_Ala14dup.
Molecular consequence: inframe insertion. On other transcripts: 5 prime UTR variant (1), non-coding transcript variant (1).
Genome position (GRCh38, 1-based): chrX:44,873,579-44,873,593, ACCGCCGCCGCTGCC duplicated. VCF-style (leftmost placement, unchanged base first): chrX-44873578-T-TACCGCCGCCGCTGCC. GRCh37 (hg19) VCF-style: chrX-44732824-T-TACCGCCGCCGCTGCC.
Other names: c.28_42dup, p.Thr10_Ala14dup (NM_001291416.2, NM_001291417.2, NM_001291418.2 and 1 more transcripts); c.-605_-591dup (NM_001291421.2).
Identifiers: ClinVar variation 1391675 (VCV001391675.8), dbSNP rs2146441027, ClinGen allele CA2573158872.

ClinVar aggregate classification (germline): Uncertain significance (1 of 4 stars; one submission).

Conditions:
Kabuki syndrome 2 (KABUK2). Also called: KDM6A-Related Kabuki Syndrome. Identifiers: Orphanet 2322, MedGen C3275495, MONDO:0010465, OMIM 300867.

Submission:

Labcorp Genetics (formerly Invitae), Labcorp
Classification: Uncertain significance for Kabuki syndrome 2. Last evaluated: 2021-04-28. Review status: criteria provided, single submitter. Criteria: Invitae Variant Classification Sherloc (09022015). Collection method: clinical testing. Allele origin: germline.
Comment: In summary, the available evidence is currently insufficient to determine the role of this variant in disease. Therefore, it has been classified as a Variant of Uncertain Significance. This variant, c.28_42dup, results in the insertion of 5 amino acid(s) to the KDM6A protein (p.Thr10_Ala14dup), but otherwise preserves the integrity of the reading frame. This variant is not present in population databases (ExAC no frequency). This variant has not been reported in the literature in individuals with KDM6A-related conditions. Experimental studies and prediction algorithms are not available or were not evaluated, and the functional significance of this variant is currently unknown.